The following is an entry in ClinVar:

ClinVar aggregate classification (germline): Uncertain significance (1 of 4 stars; one submission).

gnomAD v4.1: 8 of 1,611,606 alleles (0.0005%); highest among the groups gnomAD compares: East Asian, 0.018%; no homozygotes.

Submissions (2):

Women's Health and Genetics/Laboratory Corporation of America, LabCorp
Classification: Uncertain significance. Last evaluated: 2025-06-16. Review status: criteria provided, single submitter. Criteria: LabCorp Variant Classification Summary - May 2015. Collection method: clinical testing. Allele origin: germline.
Comment: Variant summary: CPS1 c.1707G>T (p.Ser569Ser) alters a conserved nucleotide located close to a canonical splice site and therefore could affect mRNA splicing, leading to a significantly altered protein sequence. Several computational tools predict a significant impact on normal splicing: Two predict the variant abolishes a 5' splicing donor site. Two predict the variant weakens a 5' donor site. However, these predictions have yet to be confirmed by functional studies. The variant allele was found at a frequency of 1.6e-05 in 250648 control chromosomes. The available data on variant occurrences in the general population are insufficient to allow any conclusion about variant significance. To our knowledge, no occurrence of c.1707G>T in individuals affected with Carbamoylphosphate Synthetase I Deficiency and no experimental evidence demonstrating its impact on protein function have been reported. No submitters have cited clinical-significance assessments for this variant to ClinVar. Based on the evidence outlined above, the variant was classified as uncertain significance.

Dr. Peter K. Rogan Lab, Western University
No classification provided (evidence only). Condition: Hepatocellular carcinoma. Review status: no classification provided. Collection method: in vitro. Allele origin: not applicable. Functional consequence: retained intron. Not counted in ClinVar's aggregate classification.

NM_001875.5(CPS1):c.1707G>T (p.Ser569=)

Gene: CPS1 (carbamoyl-phosphate synthase 1; plus strand). Cytogenetic location: 2q34.
Variant type: single nucleotide variant.
Coding change: c.1707G>T on transcript NM_001875.5 (MANE Select); coding-DNA position 1707, G replaced by T.
Protein change: p.Ser569=; no amino-acid change (serine 569 retained).
Molecular consequence: synonymous variant. On other transcripts: non-coding transcript variant (2).
Genome position (GRCh38, 1-based): chr2:210,600,712, G>T. VCF-style: chr2-210600712-G-T. GRCh37 (hg19) VCF-style: chr2-211465436-G-T.
Other names: NC_000002.11:g.211465436G>T; c.1707G>T, p.Ser569= (NM_001122633.3, NM_001369257.1); c.1740G>T, p.Ser580= (NM_001369256.1).
Identifiers: ClinVar variation 3907101 (VCV003907101.2).
Genomic context (GRCh38, chr2:210,600,712, plus strand): 5'-GTTTTCAGATAAACTAAATGAGATCAATGAAAAGATTGCTCCAAGTTTTGCAGTGGAATC[G>T]GTAAGGATTCTTTGCTTTGGAAAAACAAGGGCATTATTTGTCTTGTGTTGTAGGGAGAAT-3'
Protein context (NP_001866.2, residues 559-579): EKIAPSFAVE[Ser569=]IEDALKAADT